The following is an entry in ClinVar:

NM_000051.4(ATM):c.2836A>C (p.Met946Leu)

Gene: ATM (ATM serine/threonine kinase; plus strand). Cytogenetic location: 11q22.3.
Variant type: single nucleotide variant.
Coding change: c.2836A>C on transcript NM_000051.4 (MANE Select); coding-DNA position 2836, A replaced by C.
Protein change: p.Met946Leu; replaces methionine 946 with leucine.
Molecular consequence: missense variant.
Genome position (GRCh38, 1-based): chr11:108,268,607, A>C. VCF-style: chr11-108268607-A-C. GRCh37 (hg19) VCF-style: chr11-108139334-A-C.
Other names: c.2836A>C, p.Met946Leu (NM_001351834.2); short protein forms M946L.
Identifiers: ClinVar variation 216198 (VCV000216198.15), dbSNP rs587781992, ClinGen allele CA338177.
Genomic context (GRCh38, chr11:108,268,607, plus strand): 5'-AAATTGTTAATGTTAATTGATTCTAGCACGCTAGAACCTACCAAATCCCTCCACCTGCAT[A>C]TGGTGAGTTACGTTAAATGAAGAAGCTCTTGGATTTTATCTGATGTTGCTGACTAAATGT-3'
Protein context (NP_000042.3, residues 936-956): LEPTKSLHLH[Met946Leu]YLMLLKELPG

ClinVar aggregate classification (germline): Uncertain significance. Review status: criteria provided, multiple submitters, no conflicts (2 of 4 stars). 2 submissions from 2 submitters: Uncertain significance (2). Last evaluated 2025-11-05.

Conditions:
Hereditary cancer-predisposing syndrome. Also called: Tumor predisposition; Hereditary Cancer Syndrome; Neoplastic Syndromes, Hereditary; Hereditary neoplastic syndrome. Identifiers: Orphanet 140162, MedGen C0027672, MeSH D009386, MONDO:0015356.
Ataxia-telangiectasia syndrome (AT). Also called: Cerebello-oculocutaneous telangiectasia; Immunodeficiency with ataxia telangiectasia; Ataxia telangiectasia (A-T); LOUIS-BAR SYNDROME; ATAXIA-TELANGIECTASIA, COMPLEMENTATION GROUP A; ATAXIA-TELANGIECTASIA, FRESNO VARIANT. Identifiers: Orphanet 100, MedGen C0004135, MONDO:0008840, OMIM 208900.

Submissions (2):

Labcorp Genetics (formerly Invitae), Labcorp
Classification: Uncertain significance for Ataxia-telangiectasia syndrome. Last evaluated: 2025-11-05. Review status: criteria provided, single submitter. Criteria: Invitae Variant Classification Sherloc (09022015). Collection method: clinical testing. Allele origin: germline.
Comment: This sequence change replaces methionine, which is neutral and non-polar, with leucine, which is neutral and non-polar, at codon 946 of the ATM protein (p.Met946Leu). This variant is not present in population databases (gnomAD no frequency). This variant has not been reported in the literature in individuals affected with ATM-related conditions. ClinVar contains an entry for this variant (Variation ID: 216198). An algorithm developed to predict the effect of missense changes on protein structure and function (PolyPhen-2) suggests that this variant is likely to be tolerated. In summary, the available evidence is currently insufficient to determine the role of this variant in disease. Therefore, it has been classified as a Variant of Uncertain Significance.

Ambry Genetics
Classification: Uncertain significance for Hereditary cancer-predisposing syndrome. Last evaluated: 2019-08-13. Review status: criteria provided, single submitter. Criteria: Ambry Variant Classification Scheme 2023. Collection method: clinical testing. Allele origin: germline.
Comment: The p.M946L variant (also known as c.2836A>C), located in coding exon 17 of the ATM gene, results from an A to C substitution at nucleotide position 2836. The methionine at codon 946 is replaced by leucine, an amino acid with highly similar properties. This amino acid position is highly conserved in available vertebrate species. In addition, this alteration is predicted to be tolerated by in silico analysis. Since supporting evidence is limited at this time, the clinical significance of this alteration remains unclear.